The following is an entry in ClinVar:

NM_001430.5(EPAS1):c.2545C>T (p.Pro849Ser)

Gene: EPAS1 (endothelial PAS domain protein 1; plus strand). Cytogenetic location: 2p21.
Variant type: single nucleotide variant.
Coding change: c.2545C>T on transcript NM_001430.5 (MANE Select); coding-DNA position 2545, C replaced by T.
Protein change: p.Pro849Ser; replaces proline 849 with serine.
Molecular consequence: missense variant.
Genome position (GRCh38, 1-based): chr2:46,384,592, C>T. VCF-style: chr2-46384592-C-T. GRCh37 (hg19) VCF-style: chr2-46611731-C-T.
Other names: short protein forms P849S.
Identifiers: ClinVar variation 3221638 (VCV003221638.1), dbSNP rs2103682533, ClinGen allele CA346707099.

ClinVar aggregate classification (germline): Uncertain significance (1 of 4 stars; one submission).

Conditions:
Inborn genetic diseases. Identifiers: MedGen C0950123, MeSH D030342.

Submission:

Ambry Genetics
Classification: Uncertain significance for Inborn genetic diseases. Last evaluated: 2023-09-30. Review status: criteria provided, single submitter. Criteria: Ambry Variant Classification Scheme 2023. Collection method: clinical testing. Allele origin: germline.
Comment: The p.P849S variant (also known as c.2545C>T), located in coding exon 16 of the EPAS1 gene, results from a C to T substitution at nucleotide position 2545. The proline at codon 849 is replaced by serine, an amino acid with similar properties. This amino acid position is conserved. In addition, this alteration is predicted to be deleterious by in silico analysis. Since supporting evidence is limited at this time, the clinical significance of this alteration remains unclear.